The following is an entry in ClinVar:

ClinVar aggregate classification (germline): Uncertain significance. Review status: criteria provided, multiple submitters, no conflicts (2 of 4 stars). 2 submissions from 2 submitters: Uncertain significance (2). Last evaluated 2025-06-24.

Conditions:
SLC27A5-related disorder. Also called: SLC27A5-related condition.

Allele frequency attached by ClinVar (database versions not stated): gnomAD 0.00001; gnomAD exomes 0.00001; ExAC 0.00002.
gnomAD v4.1: 8 of 1,613,958 alleles (0.0005%); highest among the groups gnomAD compares: East Asian, 0.0022%; no homozygotes.

Submissions (2):

PreventionGenetics, part of Exact Sciences
Classification: Uncertain significance for SLC27A5-related condition. Last evaluated: 2025-06-24. Review status: criteria provided, single submitter. Criteria: ACMG Guidelines, 2015. Collection method: clinical testing. Allele origin: germline.
Comment: The SLC27A5 c.1340G>A variant is predicted to result in the amino acid substitution p.Arg447His. To our knowledge, this variant has not been reported in the literature. This variant is reported in 0.0046% of alleles in individuals of European (Finnish) descent in gnomAD. At this time, the clinical significance of this variant is uncertain due to the absence of conclusive functional and genetic evidence.

Ambry Genetics
Classification: Uncertain significance. Last evaluated: 2022-11-19. Review status: criteria provided, single submitter. Criteria: Ambry Variant Classification Scheme 2023. Collection method: clinical testing. Allele origin: germline.

NM_012254.3(SLC27A5):c.1340G>A (p.Arg447His)

Gene: SLC27A5 (solute carrier family 27 member 5; minus strand). Cytogenetic location: 19q13.43.
Variant type: single nucleotide variant.
Coding change: c.1340G>A on transcript NM_012254.3 (MANE Select); coding-DNA position 1340, G replaced by A.
Protein change: p.Arg447His; replaces arginine 447 with histidine.
Molecular consequence: missense variant.
Genome position (GRCh38, 1-based): chr19:58,500,549, C>T on the plus strand (G>A on the coding strand, the complement: SLC27A5 is on the minus strand). VCF-style: chr19-58500549-C-T. GRCh37 (hg19) VCF-style: chr19-59011916-C-T.
Other names: c.1088G>A, p.Arg363His (NM_001321196.2); short protein forms R447H, R363H.
Identifiers: ClinVar variation 2381940 (VCV002381940.3), dbSNP rs781015923, ClinGen allele CA9718026.
Genomic context (GRCh38, chr19:58,500,549, plus strand): 5'-ACACCAGGTACCCGCACACTCACTCGGAGGAGGCAGCTCATCTTGCCCAGGGCCCCGCAG[C>T]GCCCCACATAGTTGACTAAGCCCATGTTGCCTTCTGTGGAGCCGTAGACTTCCCAGATCC-3'
Protein context (NP_036386.1, residues 437-457): GNMGLVNYVG[Arg447His]CGALGKMSCL